The following is an entry in ClinVar:

NM_004655.4(AXIN2):c.220C>G (p.Pro74Ala)

Gene: AXIN2 (axin 2; minus strand). Cytogenetic location: 17q24.1.
Variant type: single nucleotide variant.
Coding change: c.220C>G on transcript NM_004655.4 (MANE Select); coding-DNA position 220, C replaced by G.
Protein change: p.Pro74Ala; replaces proline 74 with alanine.
Molecular consequence: missense variant.
Genome position (GRCh38, 1-based): chr17:65,558,401, G>C on the plus strand (C>G on the coding strand, the complement: AXIN2 is on the minus strand). VCF-style: chr17-65558401-G-C. GRCh37 (hg19) VCF-style: chr17-63554519-G-C.
Other names: c.220C>G, p.Pro74Ala (NM_001363813.1); short protein forms P74A.
Identifiers: ClinVar variation 3335694 (VCV003335694.1).

ClinVar aggregate classification (germline): Uncertain significance (1 of 4 stars; one submission).

Conditions:
Hereditary cancer-predisposing syndrome. Also called: Neoplastic Syndromes, Hereditary; Tumor predisposition; Hereditary neoplastic syndrome; Hereditary Cancer Syndrome. Identifiers: Orphanet 140162, MedGen C0027672, MeSH D009386, MONDO:0015356.

gnomAD v4.1: 4 of 1,605,622 alleles (0.00025%); highest among the groups gnomAD compares: Non-Finnish European, 0.00034%; no homozygotes.

Submission:

Ambry Genetics
Classification: Uncertain significance for Hereditary cancer-predisposing syndrome. Last evaluated: 2024-04-26. Review status: criteria provided, single submitter. Criteria: Ambry Variant Classification Scheme 2023. Collection method: clinical testing. Allele origin: germline.
Comment: The p.P74A variant (also known as c.220C>G), located in coding exon 1 of the AXIN2 gene, results from a C to G substitution at nucleotide position 220. The proline at codon 74 is replaced by alanine, an amino acid with highly similar properties. This amino acid position is conserved. In addition, this alteration is predicted to be tolerated by in silico analysis. Based on the available evidence, the clinical significance of this variant remains unclear.